The following is an entry in ClinVar:

ClinVar aggregate classification (germline): Uncertain significance (1 of 4 stars; one submission).

Conditions:
Frontotemporal dementia (FTD1). Also called: Frontotemporal Dementia with Parkinsonism-17 (FTDP-17); Frontotemporal lobe dementia (FLDEM); Dementia, frontotemporal, with or without parkinsonism; FRONTOTEMPORAL DEMENTIA WITH PARKINSONISM; FRONTOTEMPORAL LOBE DEMENTIA; MULTIPLE SYSTEM TAUOPATHY WITH PRESENILE DEMENTIA. Identifiers: Orphanet 282, MedGen C0338451, MONDO:0017276, OMIM 600274, HP:0002145.

Submission:

Labcorp Genetics (formerly Invitae), Labcorp
Classification: Uncertain significance for Frontotemporal dementia. Last evaluated: 2021-11-29. Review status: criteria provided, single submitter. Criteria: Invitae Variant Classification Sherloc (09022015). Collection method: clinical testing. Allele origin: germline.
Comment: This variant is not present in population databases (gnomAD no frequency). This sequence change replaces alanine, which is neutral and non-polar, with threonine, which is neutral and polar, at codon 390 of the MAPT protein (p.Ala390Thr). This variant has not been reported in the literature in individuals affected with MAPT-related conditions. Algorithms developed to predict the effect of missense changes on protein structure and function are either unavailable or do not agree on the potential impact of this missense change (SIFT: "Deleterious"; PolyPhen-2: "Possibly Damaging"; Align-GVGD: "Class C0"). In summary, the available evidence is currently insufficient to determine the role of this variant in disease. Therefore, it has been classified as a Variant of Uncertain Significance.

NM_001377265.1(MAPT):c.2344G>A (p.Ala782Thr)

Gene: MAPT (microtubule associated protein tau). Cytogenetic location: 17q21.31.
Variant type: single nucleotide variant.
Coding change: c.2344G>A on transcript NM_001377265.1 (MANE Select); coding-DNA position 2344, G replaced by A.
Protein change: p.Ala782Thr; replaces alanine 782 with threonine.
Molecular consequence: missense variant. On other transcripts: non-coding transcript variant (1), intron variant (1).
Genome position (GRCh38, 1-based): chr17:46,024,013, G>A. VCF-style: chr17-46024013-G-A. GRCh37 (hg19) VCF-style: chr17-44101379-G-A.
Other names: c.2173G>A, p.Ala725Thr (NM_001123066.4); c.1081G>A, p.Ala361Thr (NM_001123067.4); c.988G>A, p.Ala330Thr (NM_001203251.2); c.1075G>A, p.Ala359Thr (NM_001203252.2); c.2053G>A, p.Ala685Thr (NM_001377266.1); c.901G>A, p.Ala301Thr (NM_001377268.1, NM_016841.5); c.1168G>A, p.Ala390Thr (NM_005910.6); c.994G>A, p.Ala332Thr (NM_016834.5); and 2 more; short protein forms A330T, A332T, A359T, A707T, A685T, A782T, A301T, A390T.
Identifiers: ClinVar variation 1354263 (VCV001354263.6), dbSNP rs2146224075, ClinGen allele CA399984384.